The following is an entry in ClinVar:

ClinVar aggregate classification (germline): Uncertain significance (1 of 4 stars; one submission).

Submission:

Labcorp Genetics (formerly Invitae), Labcorp
Classification: Uncertain significance. Last evaluated: 2023-02-11. Review status: criteria provided, single submitter. Criteria: Invitae Variant Classification Sherloc (09022015). Collection method: clinical testing. Allele origin: germline.
Comment: In summary, the available evidence is currently insufficient to determine the role of this variant in disease. Therefore, it has been classified as a Variant of Uncertain Significance. This variant has not been reported in the literature in individuals affected with DDX58-related conditions. This sequence change creates a premature translational stop signal (p.Val442Asnfs*33) in the DDX58 gene. It is expected to result in an absent or disrupted protein product. However, the current clinical and genetic evidence is not sufficient to establish whether loss-of-function variants in DDX58 cause disease. This variant is not present in population databases (gnomAD no frequency).

NM_014314.4(RIGI):c.1324_1327del (p.Val442fs)

Gene: RIGI (RNA sensor RIG-I; minus strand). Cytogenetic location: 9p21.1.
Variant type: Deletion.
Coding change: c.1324_1327del on transcript NM_014314.4 (MANE Select); coding-DNA positions 1324 to 1327, 4 bases deleted (GTCA; older notation c.1324_1327delGTCA).
Protein change: p.Val442fs; shifts the reading frame from valine 442.
Molecular consequence: frameshift variant.
Genome position (GRCh38, 1-based): chr9:32,487,519-32,487,522, TGAC deleted on the plus strand (GTCA on the coding strand, the reverse complement: RIGI is on the minus strand); deleting any 4 consecutive bases within chr9:32,487,519-32,487,524 gives the same sequence; the c. name uses the placement nearest the transcript's 3' end. VCF-style (leftmost placement, unchanged base first): chr9-32487518-TTGAC-T. GRCh37 (hg19) VCF-style: chr9-32487516-TTGAC-T.
Other names: c.1318_1321del, p.Val440fs (NM_001385907.1); c.1324_1327del, p.Val442fs (NM_001385909.1); c.883_886del, p.Val295fs (NM_001385910.1); c.715_718del, p.Val239fs (NM_001385912.1); c.1309_1312del, p.Val437fs (NM_001385913.1); c.880_883del, p.Val294fs (NM_001385914.1); short protein forms V239fs, V294fs, V437fs, V440fs, V295fs, V442fs.
Identifiers: ClinVar variation 2793756 (VCV002793756.3), dbSNP rs2489329968, ClinGen allele CA2566559236.